The following is an entry in ClinVar:

NC_000002.12:g.(?_165991225)_(166311776_?)del

Genes: SCN1A (sodium voltage-gated channel alpha subunit 1; minus strand), SCN9A (sodium voltage-gated channel alpha subunit 9; minus strand). Cytogenetic location: 2q24.3.
Variant type: Deletion.
Identifiers: ClinVar variation 832386 (VCV000832386.2).

ClinVar aggregate classification (germline): Pathogenic (1 of 4 stars; one submission).

Conditions:
Developmental and epileptic encephalopathy. Identifiers: MedGen C5779964, MONDO:0100620.

Submission:

Labcorp Genetics (formerly Invitae), Labcorp
Classification: Pathogenic for Early infantile epileptic encephalopathy with suppression bursts. Last evaluated: 2019-12-02. Review status: criteria provided, single submitter. Criteria: Invitae Variant Classification Sherloc (09022015). Collection method: clinical testing. Allele origin: germline.
Comment: A gross deletion of the genomic region encompassing the full coding sequence of the SCN1A gene has been identified. The boundaries of this event are unknown as the deletion extends beyond the assayed region for this gene and therefore may encompass additional genes. This variant has been observed in individual(s) with Dravet syndrome (PMID: 17561957, 16865694, 20522430, 21719429, 26068938). In at least one individual the variant was observed to be de novo. Loss-of-function variants in SCN1A are known to be pathogenic (PMID: 17347258, 18930999). For these reasons, this variant has been classified as Pathogenic.

Literature cited by the submitters: PubMed 17561957; PubMed 16865694; PubMed 21719429; PubMed 26068938; PubMed 20522430.